The following is an entry in ClinVar:

ClinVar aggregate classification (germline): Likely benign (0 of 4 stars; one submission).

Conditions:
ADGRG1-related disorder. Also called: ADGRG1-related condition.

Allele frequency attached by ClinVar (database versions not stated): gnomAD exomes below 0.00001; ExAC 0.00001.
gnomAD v4.1: 1 of 1,614,044 alleles (0.000062%); highest among the groups gnomAD compares: South Asian, 0.0011%; no homozygotes.

Submission:

PreventionGenetics, part of Exact Sciences
Classification: Likely benign for ADGRG1-related condition. Last evaluated: 2020-04-01. Review status: no assertion criteria provided. Collection method: clinical testing. Allele origin: germline.
Comment: This variant is classified as likely benign based on ACMG/AMP sequence variant interpretation guidelines (Richards et al. 2015 PMID: 25741868, with internal and published modifications).

NM_201525.4(ADGRG1):c.696G>C (p.Arg232=)

Gene: ADGRG1 (adhesion G protein-coupled receptor G1; plus strand). Cytogenetic location: 16q21.
Variant type: single nucleotide variant.
Coding change: c.696G>C on transcript NM_201525.4 (MANE Select); coding-DNA position 696, G replaced by C.
Protein change: p.Arg232=; no amino-acid change (arginine 232 retained).
Molecular consequence: synonymous variant.
Genome position (GRCh38, 1-based): chr16:57,654,061, G>C. VCF-style: chr16-57654061-G-C. GRCh37 (hg19) VCF-style: chr16-57687973-G-C.
Other names: c.696G>C, p.Arg232= (NM_001145770.3, NM_001145771.3, NM_001145772.3 and 16 more transcripts); c.711G>C, p.Arg237= (NM_001145773.3, NM_001370433.1); c.186G>C, p.Arg62= (NM_001290142.2); c.171G>C, p.Arg57= (NM_001290143.2, NM_001290144.2, NM_001370451.1 and 2 more transcripts); c.540G>C, p.Arg180= (NM_001370442.1).
Identifiers: ClinVar variation 3053943 (VCV003053943.2), dbSNP rs762470074, ClinGen allele CA8078481.